The following is an entry in ClinVar:

ClinVar aggregate classification (germline): Likely pathogenic (1 of 4 stars; one submission).

Conditions:
CDKL5 disorder. Identifiers: MedGen CN296942, MONDO:0100039.

Submission:

Centre for Population Genomics, CPG
Classification: Likely pathogenic for CDKL5 disorder. Last evaluated: 2024-09-24. Review status: criteria provided, single submitter. Criteria: McKnight et al. (Hum Mutat. 2022). Collection method: curation. Allele origin: germline. Inheritance: X-linked inheritance.
Comment: This variant has been collected from RettBASE and curated to current modified ACMG/AMP criteria. Based on the classification scheme defined by the ClinGen Rett/Angelman-like Expert Panel for Rett/AS-like Disorders Specifications to the ACMG/AMP Variant Interpretation Guidelines VCEP 3.0, this variant is classified as likely pathogenic. At least the following criteria are met: Predicted to result in loss of function, and LOF is a known mechanism of disease (PVS1). This variant is absent from gnomAD v4 (PM2_Supporting).

NM_001323289.2(CDKL5):c.64+2T>C

Gene: CDKL5 (cyclin dependent kinase like 5; plus strand). Cytogenetic location: Xp22.13.
Variant type: single nucleotide variant.
Coding change: c.64+2T>C on transcript NM_001323289.2 (MANE Select); the canonical splice donor site of the intron after coding-DNA position 64, T replaced by C.
Molecular consequence: splice donor variant.
Genome position (GRCh38, 1-based): chrX:18,507,162, T>C. VCF-style: chrX-18507162-T-C. GRCh37 (hg19) VCF-style: chrX-18525282-T-C.
Other names: NM_003159.3:c.64+2T>C; c.64+2T>C (NM_003159.3, NM_001037343.2).
Identifiers: ClinVar variation 3344009 (VCV003344009.1).